The following is an entry in ClinVar:

NM_000219.6(KCNE1):c.359C>T (p.Thr120Ile)

Gene: KCNE1 (potassium voltage-gated channel subfamily E regulatory subunit 1; minus strand). Cytogenetic location: 21q22.12.
Variant type: single nucleotide variant.
Coding change: c.359C>T on transcript NM_000219.6 (MANE Select); coding-DNA position 359, C replaced by T.
Protein change: p.Thr120Ile; replaces threonine 120 with isoleucine.
Molecular consequence: missense variant.
Genome position (GRCh38, 1-based): chr21:34,449,276, G>A on the plus strand (C>T on the coding strand, the complement: KCNE1 is on the minus strand). VCF-style: chr21-34449276-G-A. GRCh37 (hg19) VCF-style: chr21-35821574-G-A.
Other names: c.359C>T, p.Thr120Ile (NM_001270404.3, NM_001270405.3, NM_001127668.4 and 4 more transcripts); short protein forms T120I.
Identifiers: ClinVar variation 577506 (VCV000577506.10), dbSNP rs1568835425, ClinGen allele CA410197942.

ClinVar aggregate classification (germline): Uncertain significance (1 of 4 stars; one submission).

Conditions:
Long QT syndrome (LQTS). Identifiers: MedGen C0023976, MeSH D008133, MONDO:0002442. Disease mechanism: loss of function. Inheritance: Various modes of inheritance.

Allele frequency attached by ClinVar (database versions not stated): gnomAD exomes below 0.00001.
gnomAD v4.1: 1 of 1,130,726 alleles (0.000088%); highest among the groups gnomAD compares: Non-Finnish European, 0.00013%; no homozygotes.

Submissions (2):

Labcorp Genetics (formerly Invitae), Labcorp
Classification: Uncertain significance for Long QT syndrome. Last evaluated: 2018-01-14. Review status: criteria provided, single submitter. Criteria: Invitae Variant Classification Sherloc (09022015). Collection method: clinical testing. Allele origin: germline.
Comment: In summary, the available evidence is currently insufficient to determine the role of this variant in disease. Therefore, it has been classified as a Variant of Uncertain Significance. Algorithms developed to predict the effect of missense changes on protein structure and function (SIFT, PolyPhen-2, Align-GVGD) all suggest that this variant is likely to be tolerated, but these predictions have not been confirmed by published functional studies and their clinical significance is uncertain. This variant has not been reported in the literature in individuals with KCNE1-related disease. This variant is not present in population databases (ExAC no frequency). This sequence change replaces threonine with isoleucine at codon 120 of the KCNE1 protein (p.Thr120Ile). The threonine residue is moderately conserved and there is a moderate physicochemical difference between threonine and isoleucine.

Roden Lab, Vanderbilt University Medical Center
No classification provided (evidence only). Condition: Long QT syndrome 5. Review status: no classification provided. Collection method: in vitro. Allele origin: not applicable. Functional consequence: Effect on ion channel function. Not counted in ClinVar's aggregate classification.
ClinVar note: "not provided" was previously submitted as the classification for the variant. However, the classification appeared to be based only on an observation of functional data so it was converted to no classification on 2025-07-30.